The following is an entry in ClinVar:

NM_001830.4(CLCN4):c.712T>C (p.Phe238Leu)

Gene: CLCN4 (chloride voltage-gated channel 4; plus strand). Cytogenetic location: Xp22.2.
Variant type: single nucleotide variant.
Coding change: c.712T>C on transcript NM_001830.4 (MANE Select); coding-DNA position 712, T replaced by C.
Protein change: p.Phe238Leu; replaces phenylalanine 238 with leucine.
Molecular consequence: missense variant.
Genome position (GRCh38, 1-based): chrX:10,206,514, T>C. VCF-style: chrX-10206514-T-C. GRCh37 (hg19) VCF-style: chrX-10174554-T-C.
Other names: c.430T>C, p.Phe144Leu (NM_001256944.2); short protein forms F238L, F144L.
Identifiers: ClinVar variation 421537 (VCV000421537.3), dbSNP rs1064795198, ClinGen allele CA16621164.

ClinVar aggregate classification (germline): Uncertain significance. Review status: criteria provided, multiple submitters, no conflicts (2 of 4 stars). 2 submissions from 2 submitters: Uncertain significance (2). Last evaluated 2025-02-26.

Submissions (2):

Labcorp Genetics (formerly Invitae), Labcorp
Classification: Uncertain significance. Last evaluated: 2025-02-26. Review status: criteria provided, single submitter. Criteria: Invitae Variant Classification Sherloc (09022015). Collection method: clinical testing. Allele origin: germline.
Comment: This sequence change replaces phenylalanine, which is neutral and non-polar, with leucine, which is neutral and non-polar, at codon 238 of the CLCN4 protein (p.Phe238Leu). This variant is not present in population databases (gnomAD no frequency). This missense change has been observed in individual(s) with CLCN4-related conditions (PMID: 36385166). ClinVar contains an entry for this variant (Variation ID: 421537). Invitae Evidence Modeling of protein sequence and biophysical properties (such as structural, functional, and spatial information, amino acid conservation, physicochemical variation, residue mobility, and thermodynamic stability) indicates that this missense variant is not expected to disrupt CLCN4 protein function with a negative predictive value of 95%. Experimental studies have shown that this missense change does not substantially affect CLCN4 function (PMID: 36385166). In summary, the available evidence is currently insufficient to determine the role of this variant in disease. Therefore, it has been classified as a Variant of Uncertain Significance.

GeneDx
Classification: Uncertain significance. Last evaluated: 2016-06-23. Review status: criteria provided, single submitter. Criteria: GeneDx Variant Classification (06012015). Collection method: clinical testing. Allele origin: germline. Affected: yes.
Comment: The F238L variant in the CLCN4 gene has not been reported previously as a pathogenic variant, nor as a benign variant, to our knowledge. The F238L variant was not observed in approximately 6,500 individuals of European and African American ancestry in the NHLBI Exome Sequencing Project, indicating it is not a common benign variant in these populations. The F238L variant is a conservative amino acid substitution, which is not likely to impact secondary protein structure as these residues share similar properties. This substitution occurs at a position that is conserved across species. In silico analysis is inconsistent in its predictions as to whether or not the variant is damaging to the protein structure/function. We interpret F238L as a variant of uncertain significance.

Literature cited by the submitters: PubMed 36385166 (cited by Labcorp Genetics (formerly Invitae), Labcorp).